The following is an entry in ClinVar:

NM_001913.5(CUX1):c.1576G>A (p.Ala526Thr)

Gene: CUX1 (cut like homeobox 1; plus strand). Cytogenetic location: 7q22.1.
Variant type: single nucleotide variant.
Coding change: c.1576G>A on transcript NM_001913.5 (MANE Plus Clinical); coding-DNA position 1576, G replaced by A.
Protein change: p.Ala526Thr; replaces alanine 526 with threonine.
Molecular consequence: missense variant.
Genome position (GRCh38, 1-based): chr7:102,277,961, G>A. VCF-style: chr7-102277961-G-A. GRCh37 (hg19) VCF-style: chr7-101921232-G-A.
Other names: c.1438G>A, p.Ala480Thr (NM_001202545.3); c.1459G>A, p.Ala487Thr (NM_001202546.3); c.1570G>A, p.Ala524Thr (NM_181500.4); c.1528G>A, p.Ala510Thr (NM_001202544.3); short protein forms A480T, A487T, A510T, A524T, A526T.
Identifiers: ClinVar variation 3766296 (VCV003766296.1).

ClinVar aggregate classification (germline): Uncertain significance (1 of 4 stars; one submission).

Submission:

GeneDx
Classification: Uncertain significance. Last evaluated: 2024-08-28. Review status: criteria provided, single submitter. Criteria: GeneDx Variant Classification Process June 2021. Collection method: clinical testing. Allele origin: germline. Affected: yes.
Comment: Not observed at significant frequency in large population cohorts (gnomAD); In silico analysis indicates that this missense variant does not alter protein structure/function; Has not been previously published as pathogenic or benign to our knowledge; Reported using an alternate transcript of the gene